The following is an entry in ClinVar:

ClinVar aggregate classification (germline): Uncertain significance (1 of 4 stars; one submission).

Conditions:
Emery-Dreifuss muscular dystrophy 4, autosomal dominant (EDMD4). Also called: EMERY-DREIFUSS MUSCULAR DYSTROPHY 4 WITH VARIABLE FEATURES. Identifiers: Orphanet 261, MedGen C2751807, MONDO:0013071, OMIM 612998.
Autosomal recessive ataxia, Beauce type. Also called: SYNE1 Deficiency; Spinocerebellar ataxia, autosomal recessive 8; ATAXIA, RECESSIVE, OF BEAUCE; SYNE1-Related Autosomal Recessive Cerebellar Ataxia. Identifiers: Orphanet 88644, MedGen C1853116, MONDO:0012549, OMIM 610743.

Allele frequency attached by ClinVar (database versions not stated): ExAC 0.00002; gnomAD 0.00003; gnomAD exomes 0.00003.
gnomAD v4.1: 25 of 1,614,050 alleles (0.0015%); highest among the groups gnomAD compares: Non-Finnish European, 0.000085%; no homozygotes.

Submission:

Labcorp Genetics (formerly Invitae), Labcorp
Classification: Uncertain significance for Emery-Dreifuss muscular dystrophy 4, autosomal dominant; Autosomal recessive ataxia, Beauce type. Last evaluated: 2024-10-16. Review status: criteria provided, single submitter. Criteria: Invitae Variant Classification Sherloc (09022015). Collection method: clinical testing. Allele origin: germline.
Comment: This sequence change replaces alanine, which is neutral and non-polar, with threonine, which is neutral and polar, at codon 3574 of the SYNE1 protein (p.Ala3574Thr). This variant is present in population databases (rs780998072, gnomAD 0.06%). This variant has not been reported in the literature in individuals affected with SYNE1-related conditions. ClinVar contains an entry for this variant (Variation ID: 1940164). An algorithm developed to predict the effect of missense changes on protein structure and function outputs the following: PolyPhen-2: "Benign". The threonine amino acid residue is found in multiple mammalian species, which suggests that this missense change does not adversely affect protein function. In summary, the available evidence is currently insufficient to determine the role of this variant in disease. Therefore, it has been classified as a Variant of Uncertain Significance.

NM_182961.4(SYNE1):c.10699G>A (p.Ala3567Thr)

Gene: SYNE1 (spectrin repeat containing nuclear envelope protein 1; minus strand). Cytogenetic location: 6q25.2.
Variant type: single nucleotide variant.
Coding change: c.10699G>A on transcript NM_182961.4 (MANE Select); coding-DNA position 10699, G replaced by A.
Protein change: p.Ala3567Thr; replaces alanine 3567 with threonine.
Molecular consequence: missense variant.
Genome position (GRCh38, 1-based): chr6:152,354,886, C>T on the plus strand (G>A on the coding strand, the complement: SYNE1 is on the minus strand). VCF-style: chr6-152354886-C-T. GRCh37 (hg19) VCF-style: chr6-152676021-C-T.
Other names: c.10720G>A, p.Ala3574Thr (NM_033071.5); short protein forms A3567T, A3574T.
Identifiers: ClinVar variation 1940164 (VCV001940164.5), dbSNP rs780998072, ClinGen allele CA4056892.
Genomic context (GRCh38, chr6:152,354,886, plus strand): 5'-ACAGCCTGTGCTGGTAAGCCTGCCAGTCTTGCCGGAGAGACTCTAAAGCCCGGTCCTCTG[C>T]CTGTGGGATACCTGATGGGATCACATCCTCTCTGGTGTGCAGCACTGAGTTCAACAGGGC-3'
Protein context (NP_892006.3, residues 3557-3577): EDVIPSGIPQ[Ala3567Thr]EDRALESLRQ